The following is an entry in ClinVar:

NM_016373.4(WWOX):c.994C>G (p.His332Asp)

Gene: WWOX (WW domain containing oxidoreductase; plus strand). Cytogenetic location: 16q23.1.
Variant type: single nucleotide variant.
Coding change: c.994C>G on transcript NM_016373.4 (MANE Select); coding-DNA position 994, C replaced by G.
Protein change: p.His332Asp; replaces histidine 332 with aspartic acid.
Molecular consequence: missense variant.
Genome position (GRCh38, 1-based): chr16:78,432,690, C>G. VCF-style: chr16-78432690-C-G. GRCh37 (hg19) VCF-style: chr16-78466587-C-G.
Other names: c.655C>G, p.His219Asp (NM_001291997.2); short protein forms H219D, H332D.
Identifiers: ClinVar variation 2129758 (VCV002129758.4), dbSNP rs923399366, ClinGen allele CA284547502.
Genomic context (GRCh38, chr16:78,432,690, plus strand): 5'-TCCCCACGCGGGGTCACGTCGAACGCAGTGCATCCTGGAAATATGATGTACTCCAACATT[C>G]ATCGCAGCTGGTGGGTGTACACACTGCTGTTTACCTTGGCGAGGCCTTTCACCAAGTCCA-3'
Protein context (NP_057457.1, residues 322-342): HPGNMMYSNI[His332Asp]RSWWVYTLLF

ClinVar aggregate classification (germline): Uncertain significance (1 of 4 stars; one submission).

Conditions:
Autosomal recessive spinocerebellar ataxia 12. Also called: SPINOCEREBELLAR ATAXIA WITH MENTAL RETARDATION AND EPILEPSY. Identifiers: Orphanet 284282, MedGen C3280452, MONDO:0013687, OMIM 614322.
Developmental and epileptic encephalopathy, 1 (DEE1). Also called: Epileptic encephalopathy, early infantile, 1; X-linked infantile spasms; West's syndrome; Tonic spasms with clustering, arrest of psychomotor development and hypsarrhythmia on EEG; X-Linked Infantile Spasm Syndrome; OHTAHARA SYNDROME, X-LINKED. Identifiers: MedGen C3463992, MONDO:0010632, OMIM 308350. Disease mechanism: loss of function.

Allele frequency attached by ClinVar (database versions not stated): TOPMed 0.00003; gnomAD 0.00004.
gnomAD v4.1: 7 of 1,614,070 alleles (0.00043%); highest among the groups gnomAD compares: African/African-American, 0.008%; no homozygotes.

Submission:

Labcorp Genetics (formerly Invitae), Labcorp
Classification: Uncertain significance for Developmental and epileptic encephalopathy, 1; Autosomal recessive spinocerebellar ataxia 12. Last evaluated: 2022-10-17. Review status: criteria provided, single submitter. Criteria: Invitae Variant Classification Sherloc (09022015). Collection method: clinical testing. Allele origin: germline.
Comment: In summary, the available evidence is currently insufficient to determine the role of this variant in disease. Therefore, it has been classified as a Variant of Uncertain Significance. Advanced modeling of protein sequence and biophysical properties (such as structural, functional, and spatial information, amino acid conservation, physicochemical variation, residue mobility, and thermodynamic stability) performed at Invitae indicates that this missense variant is not expected to disrupt WWOX protein function. This variant has not been reported in the literature in individuals affected with WWOX-related conditions. This variant is present in population databases (no rsID available, gnomAD 0.02%). This sequence change replaces histidine, which is basic and polar, with aspartic acid, which is acidic and polar, at codon 332 of the WWOX protein (p.His332Asp).